The following is an entry in ClinVar:

NM_199420.4(POLQ):c.5167C>G (p.Arg1723Gly)

Gene: POLQ (DNA polymerase theta; minus strand). Cytogenetic location: 3q13.33.
Variant type: single nucleotide variant.
Coding change: c.5167C>G on transcript NM_199420.4 (MANE Select); coding-DNA position 5167, C replaced by G.
Protein change: p.Arg1723Gly; replaces arginine 1723 with glycine.
Molecular consequence: missense variant.
Genome position (GRCh38, 1-based): chr3:121,487,764, G>C on the plus strand (C>G on the coding strand, the complement: POLQ is on the minus strand). VCF-style: chr3-121487764-G-C. GRCh37 (hg19) VCF-style: chr3-121206611-G-C.
Other names: short protein forms R1723G.
Identifiers: ClinVar variation 1745755 (VCV001745755.3), dbSNP rs77475519, ClinGen allele CA354091736.

ClinVar aggregate classification (germline): Uncertain significance (1 of 4 stars; one submission).

gnomAD v4.1: 2 of 1,611,724 alleles (0.00012%); highest among the groups gnomAD compares: Admixed American, 0.0017%; no homozygotes.

Submission:

Ambry Genetics
Classification: Uncertain significance. Last evaluated: 2024-07-18. Review status: criteria provided, single submitter. Criteria: Ambry Variant Classification Scheme 2023. Collection method: clinical testing. Allele origin: germline.
Comment: The p.R1723G variant (also known as c.5167C>G), located in coding exon 16 of the POLQ gene, results from a C to G substitution at nucleotide position 5167. The arginine at codon 1723 is replaced by glycine, an amino acid with dissimilar properties. This amino acid position is conserved. In addition, this alteration is predicted to be tolerated by in silico analysis. Since supporting evidence is limited at this time, the clinical significance of this alteration remains unclear.